The following is an entry in ClinVar:

ClinVar aggregate classification (germline): Uncertain significance. Review status: criteria provided, single submitter (1 of 4 stars). 2 submissions from 2 submitters: Uncertain significance (1). 1 of the submissions does not count toward it. Last evaluated 2025-04-08.

Conditions:
PLXNA4-related disorder. Also called: PLXNA4-related condition.

gnomAD v4.1: 60 of 1,613,784 alleles (0.0037%); highest among the groups gnomAD compares: Non-Finnish European, 0.0047%; no homozygotes.

Submissions (2):

Ambry Genetics
Classification: Uncertain significance. Last evaluated: 2025-04-08. Review status: criteria provided, single submitter. Criteria: Ambry Variant Classification Scheme 2023. Collection method: clinical testing. Allele origin: germline.

PreventionGenetics, part of Exact Sciences
Classification: Uncertain significance for PLXNA4-related condition. Last evaluated: 2023-12-26. Review status: no assertion criteria provided. Collection method: clinical testing. Allele origin: germline. Not counted in ClinVar's aggregate classification.
Comment: The PLXNA4 c.1398C>A variant is predicted to result in the amino acid substitution p.Asn466Lys. To our knowledge, this variant has not been reported in the literature. This variant is reported in 0.0036% of alleles in individuals of European (Non-Finnish) descent in gnomAD. At this time, the clinical significance of this variant is uncertain due to the absence of conclusive functional and genetic evidence.

NM_020911.2(PLXNA4):c.1398C>A (p.Asn466Lys)

Gene: PLXNA4 (plexin A4; minus strand). Cytogenetic location: 7q32.3.
Variant type: single nucleotide variant.
Coding change: c.1398C>A on transcript NM_020911.2 (MANE Select); coding-DNA position 1398, C replaced by A.
Protein change: p.Asn466Lys; replaces asparagine 466 with lysine.
Molecular consequence: missense variant.
Genome position (GRCh38, 1-based): chr7:132,298,196, G>T on the plus strand (C>A on the coding strand, the complement: PLXNA4 is on the minus strand). VCF-style: chr7-132298196-G-T. GRCh37 (hg19) VCF-style: chr7-131982955-G-T.
Other names: c.1398C>A, p.Asn466Lys (NM_001393897.1); short protein forms N466K.
Identifiers: ClinVar variation 3046709 (VCV003046709.3), dbSNP rs374418340, ClinGen allele CA4490161.
Genomic context (GRCh38, chr7:132,298,196, plus strand): 5'-GGCCATATCCCGGAGGACTGGGCCGGGGTCCACCACCTGCACCGTCTCATACTGGAGGGC[G>T]TTGCCCCTGGGTCCATCCACCCGGATCTGTGGAGAAGAAGAGGAGAGCCAAAGTGAGTTC-3'
Protein context (NP_065962.1, residues 456-476): KKIRVDGPRG[Asn466Lys]ALQYETVQVV